The following is an entry in ClinVar:

ClinVar aggregate classification (germline): Likely benign. Review status: criteria provided, multiple submitters, no conflicts (2 of 4 stars). 2 submissions from 2 submitters: Likely benign (2). Last evaluated 2026-02-02.

Conditions:
Hereditary diffuse gastric adenocarcinoma (HDGC). Also called: DIFFUSE GASTRIC AND LOBULAR BREAST CANCER SYNDROME. Identifiers: Orphanet 26106, MedGen C1708349, MONDO:0007648, OMIM 137215.

Allele frequency attached by ClinVar (database versions not stated): gnomAD 0.00001.
gnomAD v4.1: 1 of 1,613,882 alleles (0.000062%); highest among the groups gnomAD compares: African/African-American, 0.0013%; no homozygotes.

Submissions (2):

Labcorp Genetics (formerly Invitae), Labcorp
Classification: Likely benign for Hereditary diffuse gastric adenocarcinoma. Last evaluated: 2026-02-02. Review status: criteria provided, single submitter. Criteria: Invitae Variant Classification Sherloc (09022015). Collection method: clinical testing. Allele origin: germline.

Myriad Genetics, Inc.
Classification: Likely benign for Hereditary diffuse gastric adenocarcinoma. Last evaluated: 2024-09-18. Review status: criteria provided, single submitter. Criteria: Myriad Autosomal Dominant, Autosomal Recessive and X-Linked Classification Criteria (2023). Collection method: clinical testing. Allele origin: unknown.
Comment: This variant is considered likely benign. This variant is intronic and is not expected to impact mRNA splicing.

NM_004360.5(CDH1):c.1138-9G>A

Gene: CDH1 (cadherin 1; plus strand). Cytogenetic location: 16q22.1.
Variant type: single nucleotide variant.
Coding change: c.1138-9G>A on transcript NM_004360.5 (MANE Select); 9 bases into the intron before coding-DNA position 1138, G replaced by A.
Molecular consequence: intron variant.
Genome position (GRCh38, 1-based): chr16:68,813,304, G>A. VCF-style: chr16-68813304-G-A. GRCh37 (hg19) VCF-style: chr16-68847207-G-A.
Other names: c.-478-9G>A (NM_001317185.2); c.-682-9G>A (NM_001317186.2); c.1137+1041G>A (NM_001317184.2).
Identifiers: ClinVar variation 1577867 (VCV001577867.9), dbSNP rs1960888944, ClinGen allele CA978523572.
Genomic context (GRCh38, chr16:68,813,304, plus strand): 5'-AGCCCCCTGAGACTCAGCTCTGCTAGCAGTCTTGGTACTTTGTAAATGACACATCTCTTT[G>A]CTCTGCAGTACAAGGGTCAGGTGCCTGAGAACGAGGCTAACGTCGTAATCACCACACTGA-3'